The following is an entry in ClinVar:

NM_006767.4(LZTR1):c.1685_1702dup (p.Arg567_Gln568insLeuGluGlnLeuCysArg)

Gene: LZTR1 (leucine zipper like post translational regulator 1; plus strand). Cytogenetic location: 22q11.21.
Variant type: Duplication.
Coding change: c.1685_1702dup on transcript NM_006767.4 (MANE Select); coding-DNA positions 1685 to 1702, 18 bases duplicated (TGGAGCAGCTGTGCCGCC).
Protein change: p.Arg567_Gln568insLeuGluGlnLeuCysArg.
Molecular consequence: inframe insertion.
Genome position (GRCh38, 1-based): chr22:20,994,627-20,994,644, TGGAGCAGCTGTGCCGCC duplicated; duplicating any 18 consecutive bases within chr22:20,994,618-20,994,644 gives the same sequence; the c. name uses the placement nearest the transcript's 3' end. VCF-style (leftmost placement, unchanged base first): chr22-20994617-T-TTGTGCCGCCTGGAGCAGC. GRCh37 (hg19) VCF-style: chr22-21348906-T-TTGTGCCGCCTGGAGCAGC.
Other names: c.1685_1702dupTGGAGCAGCTGTGCCGCC (NM_006767.3).
Identifiers: ClinVar variation 1699229 (VCV001699229.10), dbSNP rs1924752851, ClinGen allele CA2396642283.

ClinVar aggregate classification (germline): Uncertain significance. Review status: criteria provided, multiple submitters, no conflicts (2 of 4 stars). 4 submissions from 4 submitters: Uncertain significance (4). Last evaluated 2025-11-20.

Conditions:
Hereditary cancer-predisposing syndrome. Also called: Hereditary neoplastic syndrome; Tumor predisposition; Neoplastic Syndromes, Hereditary; Hereditary Cancer Syndrome. Identifiers: Orphanet 140162, MedGen C0027672, MeSH D009386, MONDO:0015356.
Cardiovascular phenotype. Identifiers: MedGen CN230736.
Noonan syndrome 10 (NS10). Identifiers: Orphanet 648, MedGen C4225280, MONDO:0014693, OMIM 616564.

Submissions (4):

Ambry Genetics
Classification: Uncertain significance for Cardiovascular phenotype; Hereditary cancer-predisposing syndrome. Last evaluated: 2025-11-20. Review status: criteria provided, single submitter. Criteria: Ambry Variant Classification Scheme 2023. Collection method: clinical testing. Allele origin: germline.
Comment: The c.1685_1702dup18 variant (also known as p.L562_R567dup), located in coding exon 15 of the LZTR1 gene, results from an in-frame duplication of 18 nucleotides at nucleotide positions 1685 to 1702. This results in the duplication of 6 extra residues (LEQLCR) between codons 562 and 567. This amino acid region is highly conserved in available vertebrate species. In addition, this alteration is predicted to be deleterious by in silico analysis (Choi Y et al. PLoS ONE. 2012; 7(10):e46688). Based on the available evidence, the clinical significance of this variant remains unclear.

Labcorp Genetics (formerly Invitae), Labcorp
Classification: Uncertain significance. Last evaluated: 2024-05-02. Review status: criteria provided, single submitter. Criteria: Invitae Variant Classification Sherloc (09022015). Collection method: clinical testing. Allele origin: germline.
Comment: This variant, c.1685_1702dup, results in the insertion of 6 amino acid(s) of the LZTR1 protein (p.Leu562_Arg567dup), but otherwise preserves the integrity of the reading frame. This variant is not present in population databases (gnomAD no frequency). This variant has not been reported in the literature in individuals affected with LZTR1-related conditions. ClinVar contains an entry for this variant (Variation ID: 1699229). Experimental studies and prediction algorithms are not available or were not evaluated, and the functional significance of this variant is currently unknown. In summary, the available evidence is currently insufficient to determine the role of this variant in disease. Therefore, it has been classified as a Variant of Uncertain Significance.

St. Jude Molecular Pathology, St. Jude Children's Research Hospital
Classification: Uncertain significance for Noonan syndrome 10. Last evaluated: 2023-01-10. Review status: criteria provided, single submitter. Criteria: St. Jude Assertion Criteria 2020. Collection method: clinical testing. Allele origin: germline.
Comment: The LZTR1 c.1685_1702dup (p.Leu562_Arg567dup) change inserts eighteen nucleotides at position 1685-1702, resulting in an in-frame duplication of 6 amino acid residues. This variant is absent in gnomAD v2.1.1. Algorithms that predict the impact of sequence changes on splicing indicate that this variant does not affect splicing. To our knowledge, in-frame duplications in the LZTR1 gene have not been reported in individuals with Noonan syndrome or Schwannomatosis. In summary, the evidence currently available is insufficient to determine the clinical significance of this variant. It has therefore been classified as of uncertain significance.

Victorian Clinical Genetics Services, Murdoch Childrens Research Institute
Classification: Uncertain significance for Noonan syndrome 10. Last evaluated: 2022-06-24. Review status: criteria provided, single submitter. Criteria: ACMG Guidelines, 2015. Collection method: clinical testing. Allele origin: germline. Inheritance: Autosomal dominant inheritance.
Comment: Based on the classification scheme VCGS_Germline_v1.3.4, this variant is classified as VUS-3B. Following criteria are met: 0104 - Dominant negative is a likely mechanism of disease in this gene and is associated with Noonan syndrome 10 (MIM#616564). Missense variants in this gene enhance stimulus-dependent RAS-MAPK signaling, consistent with lost LZTR1 function as a negative regulator of this pathway (PMID: 30481304). Susceptibility to schwannomatosis-2 (MIM#615670) requires a somatic second hit and is the result of a loss of function mechanism (OMIM). (I) 0107 - This gene is associated with autosomal dominant disease. (I) 0213 - In-frame duplication in a non-repetitive region that has high conservation. (SP) 0251 - This variant is heterozygous. (I) 0301 - Variant is absent from gnomAD (both v2 and v3). (SP) 0600 - Variant is located in the annotated BTB/POZ domain (DECIPHER). (I) 0705 - No comparable insertion or duplication variants have previous evidence for pathogenicity. (I) 0807 - This variant has no previous evidence of pathogenicity. (I) 0905 - No published segregation evidence has been identified for this variant. (I) 1007 - No published functional evidence has been identified for this variant. (I) 1208 - Inheritance information for this variant is not currently available in this individual. (I) Legend: (SP) - Supporting pathogenic, (I) - Information, (SB) - Supporting benign

Literature cited by the submitters: PubMed 30481304 (cited by Victorian Clinical Genetics Services, Murdoch Childrens Research Institute).